The following is an entry in ClinVar:

NM_018671.5(UNC45A):c.751C>G (p.Gln251Glu)

Gene: UNC45A (unc-45 myosin chaperone A; plus strand). Cytogenetic location: 15q26.1.
Variant type: single nucleotide variant.
Coding change: c.751C>G on transcript NM_018671.5 (MANE Select); coding-DNA position 751, C replaced by G.
Protein change: p.Gln251Glu; replaces glutamine 251 with glutamic acid.
Molecular consequence: missense variant.
Genome position (GRCh38, 1-based): chr15:90,942,500, C>G. VCF-style: chr15-90942500-C-G. GRCh37 (hg19) VCF-style: chr15-91485730-C-G.
Other names: c.706C>G, p.Gln236Glu (NM_001039675.2, NM_001323621.2); c.751C>G, p.Gln251Glu (NM_001323619.1); c.316C>G, p.Gln106Glu (NM_001323620.2); short protein forms Q106E, Q236E, Q251E.
Identifiers: ClinVar variation 1167373 (VCV001167373.12), dbSNP rs115978927, ClinGen allele CA7742661.

ClinVar aggregate classification (germline): Benign. Review status: criteria provided, multiple submitters, no conflicts (2 of 4 stars). 3 submissions from 3 submitters: Benign (2). 1 of the submissions does not count toward it. Last evaluated 2026-02-01.

Conditions:
UNC45A-related disorder. Also called: UNC45A-related condition.

Allele frequency attached by ClinVar (database versions not stated): gnomAD exomes 0.00164; ExAC 0.00201; gnomAD 0.00575 and 0.00612; TOPMed 0.00623; ESP Exome Variant Server 0.00770; 1000 Genomes Project 0.00958; 1000 Genomes Project 30x 0.00984.
gnomAD v4.1: 1,902 of 1,614,150 alleles (0.12%); highest among the groups gnomAD compares: African/African-American, 2%; 20 homozygotes.

Submissions (3):

Labcorp Genetics (formerly Invitae), Labcorp
Classification: Benign. Last evaluated: 2026-02-01. Review status: criteria provided, single submitter. Criteria: Invitae Variant Classification Sherloc (09022015). Collection method: clinical testing. Allele origin: germline.

Breakthrough Genomics
Classification: Benign. Review status: criteria provided, single submitter. Criteria: ACMG Guidelines, 2015. Collection method: not provided. Allele origin: germline. Inheritance: Autosomal recessive inheritance. Affected: yes.

PreventionGenetics, part of Exact Sciences
Classification: Benign for UNC45A-related condition. Last evaluated: 2019-04-01. Review status: no assertion criteria provided. Collection method: clinical testing. Allele origin: germline. Not counted in ClinVar's aggregate classification.
Comment: This variant is classified as benign based on ACMG/AMP sequence variant interpretation guidelines (Richards et al. 2015 PMID: 25741868, with internal and published modifications).